The following continues an entry in ClinVar:

NM_003001.5(SDHC):c.148C>T (p.Arg50Cys)

Gene: SDHC. ClinVar aggregate classification (germline): Pathogenic/Likely pathogenic. Pathogenic (3); Likely pathogenic (17).

Submissions 10 to 21 of 21:

ARUP Laboratories, Molecular Genetics and Genomics, ARUP Laboratories
Classification: Likely pathogenic. Last evaluated: 2024-12-31. Review status: criteria provided, single submitter. Criteria: ARUP Molecular Germline Variant Investigation Process 2024. Collection method: clinical testing. Allele origin: germline.
Comment: The SDHC c.148C>T; p.Arg50Cys variant (rs587778661, ClinVar Variation ID: 135194) is reported in the literature in multiple individuals affected with head and neck paraganglioma (Andrews 2018, Bennedbaek 2016, Haverfield 2021, Main 2020, McInerney-Leo 2014, Neumann 2009, Rattenberry 2013, Sen 2020, Williams 2022). This variant is absent from the Genome Aggregation Database (v2.1.1), indicating it is not a common polymorphism. Functional analyses of the variant protein in yeast showed a reduction in enzyme activity (Panizza 2013). Computational analyses predict that this variant is deleterious (REVEL: 0.976). Based on available information, this variant is considered to be likely pathogenic. References: Andrews KA et al. Tumour risks and genotype-phenotype correlations associated with germline variants in succinate dehydrogenase subunit genes SDHB, SDHC and SDHD. J Med Genet. 2018 Jun. PMID: 29386252 Bennedbaek M et al. Identification of eight novel SDHB, SDHC, SDHD germline variants in Danish pheochromocytoma/paraganglioma patients. Hered Cancer Clin Pract. 2016 PMID: 27279923 Haverfield EV et al. Physician-directed genetic screening to evaluate personal risk for medically actionable disorders: a large multi-center cohort study. BMC Med. 2021 Aug 18. PMID: 34404389 Main AM et al. Genotype-phenotype associations in PPGLs in 59 patients with variants in SDHX genes. Endocr Connect. 2020 Aug. PMID: 32688340 McInerney-Leo AM et al. Whole exome sequencing is an efficient and sensitive method for detection of germline mutations in patients with phaeochromcytomas and paragangliomas. Clin Endocrinol (Oxf). 2014 Jan. PMID: 24102379 Neumann HP et al. Clinical predictors for germline mutations in head and neck paraganglioma patients: cost reduction strategy in genetic diagnostic process as fall-out. Cancer Res. 2009 Apr 15. PMID: 19351833 Panizza E et al. Yeast model for evaluating the pathogenic significance of SDHB, SDHC and SDHD mutations in PHEO-PGL syndrome. Hum Mol Genet. 2013 Feb 15. PMID: 23175444 Rattenberry E et al. A comprehensive next generation sequencing-based genetic testing strategy to improve diagnosis of inherited pheochromocytoma and paraganglioma. J Clin Endocrinol Metab. 2013 Jul. PMID: 23666964 Sen I et al. Tumor-specific prognosis of mutation-positive patients with head and neck paragangliomas. J Vasc Surg. 2020 May. PMID: 32035780 Williams ST et al. SDHC phaeochromocytoma and paraganglioma: A UK-wide case series. Clin Endocrinol (Oxf). 2022 Apr. PMID: 34558728

All of Us Research Program, National Institutes of Health
Classification: Likely pathogenic for Hereditary pheochromocytoma and paraganglioma. Last evaluated: 2024-09-18. Review status: criteria provided, single submitter. Criteria: ACMG Guidelines, 2015. Collection method: clinical testing. Allele origin: germline. Inheritance: Autosomal dominant inheritance. Observed: 10 variant alleles, 10 heterozygotes.
Comment: This missense variant replaces arginine with cysteine at codon 50 of the SDHC protein. Computational prediction suggests that this variant may have deleterious impact on protein structure and function (internally defined REVEL score threshold >= 0.7, PMID: 27666373). Functional studies in yeast have shown that this variant displays reduced succincate dehydrogenase activity and increased mtDNA mutability (PMID: 23175444). This variant has been reported in numerous individuals affected with paraganglioma and/pr pheochromocytoma (PMID: 19351833, 23666964, 24102379, 27279923, 29386252, 31308404, 32688340). This variant has not been identified in the general population by the Genome Aggregation Database (gnomAD). Based on the available evidence, this variant is classified as Likely Pathogenic.

This study involves interpretation of variants in research participants for the purpose of population health screening. Participant phenotype was not available at the time of variant classification. Additional details can be found in publication PMID: 35346344, PMCID: PMC8962531

Molecular Pathology, Peter Maccallum Cancer Centre
Classification: Likely pathogenic for Pheochromocytoma/paraganglioma syndrome 3. Last evaluated: 2024-08-19. Review status: criteria provided, single submitter. Criteria: ACMG Guidelines, 2015. Collection method: clinical testing. Allele origin: germline. Inheritance: Autosomal dominant inheritance.

Women's Health and Genetics/Laboratory Corporation of America, LabCorp
Classification: Pathogenic for Hereditary pheochromocytoma and paraganglioma. Last evaluated: 2024-07-18. Review status: criteria provided, single submitter. Criteria: LabCorp Variant Classification Summary - May 2015. Collection method: clinical testing. Allele origin: germline.
Comment: Variant summary: SDHC c.148C>T (p.Arg50Cys) results in a non-conservative amino acid change in the encoded protein sequence. Five of five in-silico tools predict a damaging effect of the variant on protein function. The variant was absent in 251468 control chromosomes. c.148C>T has been reported in the literature in multiple individuals affected with Hereditary Paraganglioma-Pheochromocytoma Syndrome (Benn_2018, Bennedbaek_2016, Mclnerney-Leo_2014, Neumann_2009, Rattenberry_2013). These data indicate that the variant is very likely to be associated with disease. At least one publication reports experimental evidence evaluating an impact on protein function. The variant was shown to affect protein function (Panizza_2012). The following publications have been ascertained in the context of this evaluation (PMID: 30201732, 27279923, 24102379, 19351833, 23175444, 23666964). ClinVar contains an entry for this variant (Variation ID: 135194). Based on the evidence outlined above, the variant was classified as pathogenic.

CeGaT Center for Human Genetics Tuebingen
Classification: Likely pathogenic. Last evaluated: 2024-05-01. Review status: criteria provided, single submitter. Criteria: CeGaT Center For Human Genetics Tuebingen Variant Classification Criteria Version 2. Collection method: clinical testing. Allele origin: germline. Affected: yes. Observed: 1 variant allele.
Comment: SDHC: PM2, PS3:Moderate, PS4:Moderate

Myriad Genetics, Inc.
Classification: Likely pathogenic for Pheochromocytoma/paraganglioma syndrome 3. Last evaluated: 2024-02-08. Review status: criteria provided, single submitter. Criteria: Myriad Autosomal Dominant, Autosomal Recessive and X-Linked Classification Criteria (2023). Collection method: clinical testing. Allele origin: unknown.
Comment: This variant is considered likely pathogenic. This variant has been reported in multiple individuals with clinical features of gene-specific disease [PMID: 31308404, 27279923, 30201732]. This variant is expected to disrupt protein structure [Myriad internal data].

Baylor Genetics
Classification: Likely pathogenic for Gastrointestinal stromal tumor. Last evaluated: 2024-02-07. Review status: criteria provided, single submitter. Criteria: ACMG Guidelines, 2015. Collection method: clinical testing. Allele origin: unknown.

Human Genome Sequencing Center Clinical Lab, Baylor College of Medicine
Classification: Likely pathogenic for paragangliomas 3. Last evaluated: 2023-09-05. Review status: criteria provided, single submitter. Criteria: ACMG Guidelines, 2015. Collection method: clinical testing. Allele origin: unknown.
Comment: This c.148C>T (p.Arg50Cys) variant in the SDHC gene has been reported in multiple unrelated patients with pheochromocytoma or paraganglioma (PMID: 19351833, 23666964, 24102379, 24728327, 27279923, 29386252, 31308404, 32688340) and segregated with the disease (PMID: 27279923). In addition, this variant was also identified in individuals with acute promyelocytic leukemia (PMID: 33332384). This variant is absent in the general population database. In vitro studies in the yeast showed that this variant significantly decreased succinate dehydrogenase activity (PMID: 23175444). Therefore, this c.148C>T (p.Arg50Cys) variant in the SDHC gene is classified as likely pathogenic.

Clinical Genetics Laboratory, Skane University Hospital Lund
Classification: Likely pathogenic. Last evaluated: 2023-08-23. Review status: criteria provided, single submitter. Criteria: ACMG Guidelines, 2015. Collection method: clinical testing. Allele origin: germline. Affected: yes.

Laboratory for Molecular Medicine, Mass General Brigham Personalized Medicine
Classification: Likely pathogenic for Hereditary pheochromocytoma and paraganglioma. Last evaluated: 2018-02-09. Review status: criteria provided, single submitter. Criteria: LMM Criteria. Collection method: clinical testing. Allele origin: germline. Inheritance: Autosomal dominant inheritance. Observed: 2 variant alleles.
Comment: The p.Arg50Cys variant in SDHC has been reported in 4 individuals with hereditar y paraganglioma-pheochromocytoma syndrome (Neuman 2009, Rattenberry 2013, McIner ney-Leo 2014, Bennedbaek 2016), and segregated with the disease in 1 affected re lative (Bennedbaek 2016). It has also been reported by other clinical laboratori es in ClinVar (Variation ID 135194). In vitro functional studies provide some evidence that the p.Arg50 Cys variant may impact protein function in yeast (Panizza 2013) and computationa l prediction tools and conservation analysis suggest that the p.Arg50Cys variant may impact the protein. In summary, although additional studies are required to fully establish its clinical significance, the p.Arg50Cys variant is likely pat hogenic. ACMG/AMP Criteria applied (Richards 2015): PM2; PS4_Moderate; PP3; PS3_ Supporting.

Juno Genomics, Hangzhou Juno Genomics, Inc
Classification: Likely pathogenic for Pheochromocytoma/paraganglioma syndrome 3; Gastrointestinal stromal tumor; Carney-Stratakis syndrome. Review status: criteria provided, single submitter. Criteria: ACMG Guidelines, 2015. Collection method: clinical testing. Allele origin: germline.
Comment: Absent from controls (or at extremely low frequency if recessive) in Genome Aggregation Database.;Multiple lines of computational evidence support a deleterious effect on the gene or gene product.;The prevalence of the variant in affected individuals is significantly increased compared to the prevalence in controls.;Patient's phenotype or family history is highly specific for a disease with a single genetic etiology.

ITMI
No classification provided. Condition: AllHighlyPenetrant. Last evaluated: 2013-09-19. Review status: no classification provided. Collection method: reference population. Allele origin: germline. Not counted in ClinVar's aggregate classification.
Comment: Please see associated publication for description of ethnicities

Literature cited by the submitters: PubMed 23666964 (cited by 8 submitters); PubMed 19351833 (cited by 8 submitters); PubMed 24102379 (cited by 8 submitters); PubMed 27279923 (cited by 9 submitters); PubMed 24728327 (cited by 4 submitters); PubMed 23175444 (cited by 9 submitters); PubMed 25394176 (cited by 3 submitters); PubMed 26273102 (cited by Ambry Genetics and Quest Diagnostics Nichols Institute San Juan Capistrano); PubMed 29386252 (cited by 4 submitters); PubMed 31308404 (cited by 5 submitters); PubMed 32035780 (cited by Ambry Genetics and Quest Diagnostics Nichols Institute San Juan Capistrano); PubMed 32688340 (cited by 4 submitters); PubMed 33332384 (cited by 3 submitters); PubMed 34558728 (cited by 3 submitters); PubMed 31447099 (cited by Quest Diagnostics Nichols Institute San Juan Capistrano); PubMed 31567591 (cited by Quest Diagnostics Nichols Institute San Juan Capistrano); PubMed 28748451 (cited by Quest Diagnostics Nichols Institute San Juan Capistrano); PubMed 30201732 (cited by 3 submitters); PubMed 31844177 (cited by Quest Diagnostics Nichols Institute San Juan Capistrano); PubMed 33222100 (cited by Quest Diagnostics Nichols Institute San Juan Capistrano); PubMed 34994613 (cited by Quest Diagnostics Nichols Institute San Juan Capistrano); PubMed 37019617 (cited by Quest Diagnostics Nichols Institute San Juan Capistrano); PubMed 36198483 (cited by Quest Diagnostics Nichols Institute San Juan Capistrano).